The following is an entry in ClinVar:

NM_004247.4(EFTUD2):c.2133-2A>G

Gene: EFTUD2 (elongation factor Tu GTP binding domain containing 2; minus strand). Cytogenetic location: 17q21.31.
Variant type: single nucleotide variant.
Coding change: c.2133-2A>G on transcript NM_004247.4 (MANE Select); the canonical splice acceptor site of the intron before coding-DNA position 2133, A replaced by G.
Molecular consequence: splice acceptor variant.
Genome position (GRCh38, 1-based): chr17:44,854,684, T>C on the plus strand (A>G on the coding strand, the complement: EFTUD2 is on the minus strand). VCF-style: chr17-44854684-T-C. GRCh37 (hg19) VCF-style: chr17-42932052-T-C.
Other names: c.2028-2A>G (NM_001142605.2); c.2103-2A>G (NM_001258354.2); c.2133-2A>G (NM_001258353.2).
Identifiers: ClinVar variation 1805784 (VCV001805784.3), dbSNP rs2508729990, ClinGen allele CA399843406.

ClinVar aggregate classification (germline): Pathogenic/Likely pathogenic. Review status: criteria provided, multiple submitters, no conflicts (2 of 4 stars). 3 submissions from 3 submitters: Pathogenic (1); Likely pathogenic (2). Last evaluated 2026-03-02.

Conditions:
Mandibulofacial dysostosis-microcephaly syndrome (MFDGA). Also called: Mandibulofacial dysostosis, Guion-Almeida type; Growth and mental retardation, mandibulofacial dysostosis, microcephaly, and cleft palate. Identifiers: Orphanet 79113, MedGen C1864652, MONDO:0012516, OMIM 610536.
EFTUD2-related disorders.

Submissions (3):

Broad Center for Mendelian Genomics, Broad Institute of MIT and Harvard
Classification: Pathogenic for Mandibulofacial dysostosis-microcephaly syndrome. Last evaluated: 2026-03-02. Review status: criteria provided, single submitter. Criteria: ACMG Guidelines, 2015. Collection method: research. Allele origin: germline. Inheritance: Autosomal dominant inheritance.
Comment: The c.2133-2A>G variant in EFTUD2 has not been previously reported in the literature in individuals with mandibulofacial dysostosis-microcephaly syndrome and was absent from large population studies. This variant has been reported in ClinVar (Variation ID: 1805784) and has been interpreted as likely pathogenic by Victorian Clinical Genetics Services. This variant is located in the 5' splice region. Computational tools predict a splicing impact, though this information is not predictive enough to determine pathogenicity. Heterozygous loss of function of the EFTUD2 gene is an established disease mechanism in mandibulofacial dysostosis-microcephaly syndrome. In summary, this variant meets criteria to be classified as pathogenic for autosomal dominant mandibulofacial dysostosis-microcephaly syndrome. ACMG/AMP Criteria applied: PVS1, PM2_supporting, PS4_supporting (Richards 2015).

Blueprint Genetics
Classification: Likely pathogenic for EFTUD2-related disorders. Last evaluated: 2022-07-19. Review status: criteria provided, single submitter. Criteria: ACMG Guidelines, 2015. Collection method: clinical testing. Allele origin: germline. Affected: yes. Observed: 1 variant allele.

Victorian Clinical Genetics Services, Murdoch Childrens Research Institute
Classification: Likely pathogenic for Mandibulofacial dysostosis-microcephaly syndrome. Last evaluated: 2020-10-19. Review status: criteria provided, single submitter. Criteria: ACMG Guidelines, 2015. Collection method: clinical testing. Allele origin: germline. Inheritance: Autosomal dominant inheritance. Affected: yes.
Comment: Based on the classification scheme VCGS_Germline_v1.1.1, this variant is classified as likely pathogenic. Following criteria are met: 0102 - Loss-of-function is a known mechanism of disease for this gene. (N) 0107 - This gene is known to be associated with autosomal dominant disease. (N) 0211 - Canonical splice site variant without proven consequence on splicing (no functional evidence available) (intron 21 of 27). (P) 0251 - Variant is heterozygous. (N) 0301 - Variant is absent from gnomAD. (P) 0505 - Abnormal splicing is predicted by in silico tools and affected nucleotide is highly conserved. (P) 0705 - No comparable variants have previous evidence for pathogenicity. (N) 0807 - Variant has not previously been reported in a clinical context. (N) 0905 - No segregation evidence has been identified for this variant. (N) 1007 - No published functional evidence has been identified for this variant. (P) Legend: (P) - Pathogenic, (N) - Neutral, (B) - Benign